The following is an entry in ClinVar:

ClinVar aggregate classification (germline): Uncertain significance. Review status: criteria provided, multiple submitters, no conflicts (2 of 4 stars). 2 submissions from 2 submitters: Uncertain significance (2). Last evaluated 2024-01-20.

Conditions:
Nephronophthisis 19 (NPHP19). Identifiers: Orphanet 84081, MedGen C4015542, MONDO:0014537, OMIM 616217.
Autosomal recessive nonsyndromic hearing loss 66 (DFNB66). Also called: Deafness, autosomal recessive 66. Identifiers: Orphanet 90636, MedGen C1857750, MONDO:0012442, OMIM 610212.
Isolated neonatal sclerosing cholangitis (NSC). Also called: Sclerosing cholangitis, neonatal. Identifiers: Orphanet 480556, MedGen C4479344, MONDO:0018816, OMIM 617394.

Allele frequency attached by ClinVar (database versions not stated): gnomAD exomes below 0.00001; TOPMed below 0.00001.
gnomAD v4.1: 4 of 1,614,058 alleles (0.00025%); highest among the groups gnomAD compares: Admixed American, 0.0067%; no homozygotes.

Submissions (2):

Fulgent Genetics
Classification: Uncertain significance for Autosomal recessive nonsyndromic hearing loss 66; Nephronophthisis 19; Isolated neonatal sclerosing cholangitis. Last evaluated: 2024-01-20. Review status: criteria provided, single submitter. Criteria: ACMG Guidelines, 2015. Collection method: clinical testing. Allele origin: germline.

GeneDx
Classification: Uncertain significance. Last evaluated: 2023-05-03. Review status: criteria provided, single submitter. Criteria: GeneDx Variant Classification Process June 2021. Collection method: clinical testing. Allele origin: germline. Affected: yes.
Comment: In silico analysis supports that this missense variant has a deleterious effect on protein structure/function; Has not been previously published as pathogenic or benign to our knowledge

NM_016356.5(DCDC2):c.650A>T (p.Lys217Ile)

Gene: DCDC2 (doublecortin domain containing 2; minus strand). Cytogenetic location: 6p22.3.
Variant type: single nucleotide variant.
Coding change: c.650A>T on transcript NM_016356.5 (MANE Select); coding-DNA position 650, A replaced by T.
Protein change: p.Lys217Ile; replaces lysine 217 with isoleucine.
Molecular consequence: missense variant.
Genome position (GRCh38, 1-based): chr6:24,290,986, T>A on the plus strand (A>T on the coding strand, the complement: DCDC2 is on the minus strand). VCF-style: chr6-24290986-T-A. GRCh37 (hg19) VCF-style: chr6-24291214-T-A.
Other names: c.650A>T, p.Lys217Ile (NM_001195610.2); short protein forms K217I.
Identifiers: ClinVar variation 2663132 (VCV002663132.2), dbSNP rs1357403456, ClinGen allele CA363280373.